The following is an entry in ClinVar:

ClinVar aggregate classification (germline): Pathogenic (1 of 4 stars; one submission).

Conditions:
Juvenile polyposis syndrome (JPS). Identifiers: Orphanet 2929, MedGen C0345893, MONDO:0017380, OMIM 174900.

Submission:

Women's Health and Genetics/Laboratory Corporation of America, LabCorp
Classification: Pathogenic for Juvenile polyposis syndrome. Last evaluated: 2024-06-07. Review status: criteria provided, single submitter. Criteria: LabCorp Variant Classification Summary - May 2015. Collection method: clinical testing. Allele origin: germline.
Comment: Variant summary: SMAD4 c.604_605ins37 (c.604_605insAGATCGGAAGAGCACACGTCGCTCTTCCGATCTTTAG, p.Ala202GlufsX16) results in a premature termination codon, predicted to cause absence of the protein due to nonsense mediated decay, which is a commonly known mechanism for disease. The variant was absent in 251482 control chromosomes. To our knowledge, no occurrence of c.604_605ins37 in individuals affected with Juvenile Polyposis Syndrome and no experimental evidence demonstrating its impact on protein function have been reported. No submitters have cited clinical-significance assessments for this variant to ClinVar. Based on the evidence outlined above, the variant was classified as pathogenic.

NM_005359.6(SMAD4):c.604_605insAGATCGGAAGAGCACACGTCGCTCTTCCGATCTTTAG (p.Ala202fs)

Gene: SMAD4 (SMAD family member 4; plus strand). Cytogenetic location: 18q21.2.
Variant type: Insertion.
Coding change: c.604_605insAGATCGGAAGAGCACACGTCGCTCTTCCGATCTTTAG on transcript NM_005359.6 (MANE Select); coding-DNA positions 604 to 605, AGATCGGAAGAGCACACGTCGCTCTTCCGATCTTTAG inserted.
Protein change: p.Ala202fs; shifts the reading frame from alanine 202.
Molecular consequence: frameshift variant. On other transcripts: non-coding transcript variant (2).
Genome position: GRCh38: chr18:51,054,930-51,054,931. GRCh37 (hg19): chr18:48,581,300-48,581,301.
Other names: c.604_605insAGATCGGAAGAGCACACGTCGCTCTTCCGATCTTTAG, p.Ala202fs (NM_001407041.1, NM_001407042.1, NM_001407043.1); short protein forms A202fs.
Identifiers: ClinVar variation 3339679 (VCV003339679.1).